The following is an entry in ClinVar:

ClinVar aggregate classification (germline): Pathogenic (1 of 4 stars; one submission).

Conditions:
Neurofibromatosis, type 1 (NF1). Also called: Neurofibromatosis, type I; VON RECKLINGHAUSEN DISEASE; NEUROFIBROMATOSIS, TYPE I, SOMATIC; Peripheral type neurofibromatosis. Identifiers: Orphanet 636, MedGen C0027831, MONDO:0018975, OMIM 162200. Disease mechanism: loss of function.

Submission:

Juno Genomics, Hangzhou Juno Genomics, Inc
Classification: Pathogenic for Neurofibromatosis, type 1. Review status: criteria provided, single submitter. Criteria: ACMG Guidelines, 2015. Collection method: clinical testing. Allele origin: germline. Affected: yes.
Comment: Absent from controls (or at extremely low frequency if recessive) in Genome Aggregation Database, Exome Sequencing Project, 1000 Genomes Project, or Exome Aggregation Consortium.;Null variant in a gene where loss of function (LOF) is a known mechanism of disease.;Patient's phenotype or family history is highly specific for a disease with a single genetic etiology.

NM_001042492.3(NF1):c.5328dup (p.Val1777fs)

Gene: NF1 (neurofibromin 1; plus strand). Cytogenetic location: 17q11.2.
Variant type: Duplication.
Coding change: c.5328dup on transcript NM_001042492.3 (MANE Select); coding-DNA position 5328, one base duplicated (A; older notation c.5328dupA).
Protein change: p.Val1777fs; shifts the reading frame from valine 1777.
Molecular consequence: frameshift variant.
Genome position (GRCh38, 1-based): chr17:31,327,558, A duplicated. VCF-style (leftmost placement, unchanged base first): chr17-31327557-C-CA. GRCh37 (hg19) VCF-style: chr17-29654575-C-CA.
Other names: c.5265dup, p.Val1756Serfs (NM_000267.4); short protein forms V1756fs, V1777fs.
Identifiers: ClinVar variation 3382242 (VCV003382242.2).
Genomic context (GRCh38, chr17:31,327,557, plus strand): 5'-AGGTTGGTTCTACTGCTGTCCAAGTAACTTCAGCAGAGCGAACAAAAGTCCTAGGGCAAT[C>CA]AGTCTTTCTAAATGACATTTATTATGCTTCGGAAATTGAAGAAATCTGCCTAGTAGATGA-3'